The following is an entry in ClinVar:

NM_001330078.2(NRXN1):c.159G>A (p.Glu53=)

Gene: NRXN1 (neurexin 1; minus strand). Cytogenetic location: 2p16.3.
Variant type: single nucleotide variant.
Coding change: c.159G>A on transcript NM_001330078.2 (MANE Select); coding-DNA position 159, G replaced by A.
Protein change: p.Glu53=; no amino-acid change (glutamic acid 53 retained).
Molecular consequence: synonymous variant.
Genome position (GRCh38, 1-based): chr2:51,028,115, C>T on the plus strand (G>A on the coding strand, the complement: NRXN1 is on the minus strand). VCF-style: chr2-51028115-C-T. GRCh37 (hg19) VCF-style: chr2-51255253-C-T.
Other names: c.159G>A, p.Glu53= (NM_001135659.3, NM_001330077.2, NM_001330079.2 and 15 more transcripts).
Identifiers: ClinVar variation 391533 (VCV000391533.4), dbSNP rs1057524126, ClinGen allele CA16604227.

ClinVar aggregate classification (germline): Likely benign. Review status: criteria provided, multiple submitters, no conflicts (2 of 4 stars). 2 submissions from 2 submitters: Likely benign (2). Last evaluated 2024-01-03.

Conditions:
Pitt-Hopkins-like syndrome 2 (PTHSL2). Identifiers: Orphanet 221150, Orphanet 600663, MedGen C3280479, MONDO:0013690, OMIM 614325.

Allele frequency attached by ClinVar (database versions not stated): TOPMed below 0.00001; gnomAD 0.00001.
gnomAD v4.1: 8 of 1,574,182 alleles (0.00051%); highest among the groups gnomAD compares: Non-Finnish European, 0.00069%; no homozygotes.

Submissions (2):

Labcorp Genetics (formerly Invitae), Labcorp
Classification: Likely benign for Pitt-Hopkins-like syndrome 2. Last evaluated: 2024-01-03. Review status: criteria provided, single submitter. Criteria: Invitae Variant Classification Sherloc (09022015). Collection method: clinical testing. Allele origin: germline.

GeneDx
Classification: Likely benign. Last evaluated: 2016-12-05. Review status: criteria provided, single submitter. Criteria: GeneDx Variant Classification (06012015). Collection method: clinical testing. Allele origin: germline. Affected: yes.
Comment: This variant is considered likely benign or benign based on one or more of the following criteria: it is a conservative change, it occurs at a poorly conserved position in the protein, it is predicted to be benign by multiple in silico algorithms, and/or has population frequency not consistent with disease.